The following is an entry in ClinVar:

NM_001004334.4(GPR179):c.3117A>T (p.Lys1039Asn)

Gene: GPR179 (G protein-coupled receptor 179; minus strand). Cytogenetic location: 17q12.
Variant type: single nucleotide variant.
Coding change: c.3117A>T on transcript NM_001004334.4 (MANE Select); coding-DNA position 3117, A replaced by T.
Protein change: p.Lys1039Asn; replaces lysine 1039 with asparagine.
Molecular consequence: missense variant.
Genome position (GRCh38, 1-based): chr17:38,330,452, T>A on the plus strand (A>T on the coding strand, the complement: GPR179 is on the minus strand). VCF-style: chr17-38330452-T-A. GRCh37 (hg19) VCF-style: chr17-36486335-T-A.
Other names: c.3117A>T (NM_001004334.2); short protein forms K1039N.
Identifiers: ClinVar variation 1500638 (VCV001500638.6), dbSNP rs562346824, ClinGen allele CA290105369.
Genomic context (GRCh38, chr17:38,330,452, plus strand): 5'-ATTAGCTTCCCTCTGGTGATGTGCATCCTCTGCGTCCATCTCATTCTCCCCAGCCCTGCT[T>A]TTCTCTACTGCAACAGAGAGGGCCCTCCAGAGCCTGGCTCGAGCTGGGGCAGGGGAGTGG-3'
Protein context (NP_001004334.3, residues 1029-1049): LWRALSVAVE[Lys1039Asn]SRAGENEMDA

ClinVar aggregate classification (germline): Uncertain significance. Review status: criteria provided, multiple submitters, no conflicts (2 of 4 stars). 2 submissions from 2 submitters: Uncertain significance (2). Last evaluated 2025-02-27.

Conditions:
Inborn genetic diseases. Identifiers: MedGen C0950123, MeSH D030342.

Allele frequency attached by ClinVar (database versions not stated): TOPMed 0.00002; ExAC 0.00006; gnomAD exomes 0.00010 and 0.00002; 1000 Genomes Project 30x 0.00016; 1000 Genomes Project 0.00020; gnomAD 0.00001 and 0.00002.
gnomAD v4.1: 30 of 1,573,156 alleles (0.0019%); highest among the groups gnomAD compares: East Asian, 0.063%; no homozygotes.

Submissions (2):

Labcorp Genetics (formerly Invitae), Labcorp
Classification: Uncertain significance. Last evaluated: 2025-02-27. Review status: criteria provided, single submitter. Criteria: Invitae Variant Classification Sherloc (09022015). Collection method: clinical testing. Allele origin: germline.
Comment: This sequence change replaces lysine, which is basic and polar, with asparagine, which is neutral and polar, at codon 1039 of the GPR179 protein (p.Lys1039Asn). This variant is present in population databases (rs562346824, gnomAD 0.1%). This variant has not been reported in the literature in individuals affected with GPR179-related conditions. ClinVar contains an entry for this variant (Variation ID: 1500638). An algorithm developed to predict the effect of missense changes on protein structure and function (PolyPhen-2) suggests that this variant is likely to be tolerated. In summary, the available evidence is currently insufficient to determine the role of this variant in disease. Therefore, it has been classified as a Variant of Uncertain Significance.

Ambry Genetics
Classification: Uncertain significance for Inborn genetic diseases. Last evaluated: 2023-12-15. Review status: criteria provided, single submitter. Criteria: Ambry Variant Classification Scheme 2023. Collection method: clinical testing. Allele origin: germline.